The following is an entry in ClinVar:

NM_002206.3(ITGA7):c.2959-85A>G

Gene: ITGA7 (integrin subunit alpha 7; minus strand). Cytogenetic location: 12q13.2.
Variant type: single nucleotide variant.
Coding change: c.2959-85A>G on transcript NM_002206.3 (MANE Select); 85 bases into the intron before coding-DNA position 2959, A replaced by G.
Molecular consequence: intron variant.
Genome position (GRCh38, 1-based): chr12:55,688,385, T>C on the plus strand (A>G on the coding strand, the complement: ITGA7 is on the minus strand). VCF-style: chr12-55688385-T-C. GRCh37 (hg19) VCF-style: chr12-56082169-T-C.
Other names: c.2680-85A>G (NM_001144997.2); c.2632-85A>G (NM_001367993.1); c.2620-85A>G (NM_001414035.1); c.2776-85A>G (NM_001414033.1); c.1615-85A>G (NM_001367994.1); c.2839-85A>G (NM_001414032.1); c.2872-85A>G (NM_001414031.1); c.2941-85A>G (NM_001374465.1); and 5 more.
Identifiers: ClinVar variation 678918 (VCV000678918.2), dbSNP rs116101967, ClinGen allele CA237560859.

ClinVar aggregate classification (germline): Likely benign. Review status: criteria provided, multiple submitters, no conflicts (2 of 4 stars). 2 submissions from 2 submitters: Likely benign (2). Last evaluated 2018-06-18.

Allele frequency attached by ClinVar (database versions not stated): gnomAD exomes 0.00070; 1000 Genomes Project 30x 0.00531; 1000 Genomes Project 0.00559; gnomAD 0.00613 and 0.00662; TOPMed 0.00720.
gnomAD v4.1: 1,545 of 998,622 alleles (0.15%); highest among the groups gnomAD compares: African/African-American, 2.1%; 17 homozygotes.

Submissions (2):

GeneDx
Classification: Likely benign. Last evaluated: 2018-06-18. Review status: criteria provided, single submitter. Criteria: GeneDx Variant Classification (06012015). Collection method: clinical testing. Allele origin: germline. Affected: yes.
Comment: This variant is considered likely benign or benign based on one or more of the following criteria: it is a conservative change, it occurs at a poorly conserved position in the protein, it is predicted to be benign by multiple in silico algorithms, and/or has population frequency not consistent with disease.

Breakthrough Genomics
Classification: Likely benign. Review status: criteria provided, single submitter. Criteria: ACMG Guidelines, 2015. Collection method: not provided. Allele origin: germline. Inheritance: Autosomal recessive inheritance. Affected: yes.